The following is an entry in ClinVar:

NM_000051.4(ATM):c.2538A>C (p.Leu846=)

Gene: ATM (ATM serine/threonine kinase; plus strand). Cytogenetic location: 11q22.3.
Variant type: single nucleotide variant.
Coding change: c.2538A>C on transcript NM_000051.4 (MANE Select); coding-DNA position 2538, A replaced by C.
Protein change: p.Leu846=; no amino-acid change (leucine 846 retained).
Molecular consequence: synonymous variant.
Genome position (GRCh38, 1-based): chr11:108,267,242, A>C. VCF-style: chr11-108267242-A-C. GRCh37 (hg19) VCF-style: chr11-108137969-A-C.
Other names: c.2538A>C, p.Leu846= (NM_001351834.2).
Identifiers: ClinVar variation 414604 (VCV000414604.11), dbSNP rs567045160, ClinGen allele CA16613025.

ClinVar aggregate classification (germline): Benign/Likely benign. Review status: criteria provided, multiple submitters, no conflicts (2 of 4 stars). 2 submissions from 2 submitters: Benign (1); Likely benign (1). Last evaluated 2024-05-09.

Conditions:
Familial cancer of breast. Also called: Hereditary breast cancer; BREAST CANCER, FAMILIAL; hereditary breast carcinoma. Identifiers: Orphanet 227535, MedGen C0346153, MONDO:0016419, OMIM 114480. Disease mechanism: loss of function.
Ataxia-telangiectasia syndrome (AT). Also called: Ataxia-telangiectasia; Cerebello-oculocutaneous telangiectasia; Immunodeficiency with ataxia telangiectasia; ATAXIA-TELANGIECTASIA, COMPLEMENTATION GROUP A; ATAXIA-TELANGIECTASIA, FRESNO VARIANT; Ataxia-telangiectasia, complementation group D. Identifiers: Orphanet 100, MedGen C0004135, MONDO:0008840, OMIM 208900.

Allele frequency attached by ClinVar (database versions not stated): TOPMed 0.00001.

Submissions (2):

Myriad Genetics, Inc.
Classification: Benign for Familial cancer of breast. Last evaluated: 2024-05-09. Review status: criteria provided, single submitter. Criteria: Myriad Autosomal Dominant, Autosomal Recessive and X-Linked Classification Criteria (2023). Collection method: clinical testing. Allele origin: unknown.
Comment: This variant is considered benign. This variant is a silent/synonymous amino acid change and it is not expected to impact splicing.

Labcorp Genetics (formerly Invitae), Labcorp
Classification: Likely benign for Ataxia-telangiectasia syndrome. Last evaluated: 2021-06-26. Review status: criteria provided, single submitter. Criteria: Invitae Variant Classification Sherloc (09022015). Collection method: clinical testing. Allele origin: germline.